The following is an entry in ClinVar:

NM_001182.5(ALDH7A1):c.1464T>C (p.Ser488=)

Gene: ALDH7A1 (aldehyde dehydrogenase 7 family member A1; minus strand). Cytogenetic location: 5q23.2.
Variant type: single nucleotide variant.
Coding change: c.1464T>C on transcript NM_001182.5 (MANE Select); coding-DNA position 1464, T replaced by C.
Protein change: p.Ser488=; no amino-acid change (serine 488 retained).
Molecular consequence: synonymous variant.
Genome position (GRCh38, 1-based): chr5:126,549,954, A>G on the plus strand (T>C on the coding strand, the complement: ALDH7A1 is on the minus strand). VCF-style: chr5-126549954-A-G. GRCh37 (hg19) VCF-style: chr5-125885646-A-G.
Other names: c.1380T>C, p.Ser460= (NM_001201377.2); c.1272T>C, p.Ser424= (NM_001202404.2).
Identifiers: ClinVar variation 3023586 (VCV003023586.10), dbSNP rs750640713, ClinGen allele CA3389401.

ClinVar aggregate classification (germline): Likely benign. Review status: criteria provided, multiple submitters, no conflicts (2 of 4 stars). 2 submissions from 2 submitters: Likely benign (2). Last evaluated 2026-05-01.

Conditions:
Pyridoxine-dependent epilepsy (EPEO4). Also called: EPILEPSY, EARLY-ONSET, 4, VITAMIN B6-DEPENDENT; Pyridoxine-Dependent Epilepsy - ALDH7A1; PYRIDOXINE DEPENDENCY WITH SEIZURES; Pyridoxine-Dependent Seizures. Identifiers: Orphanet 3006, MedGen C1849508, MONDO:0009945, OMIM 266100. Disease mechanism: loss of function.

Allele frequency attached by ClinVar (database versions not stated): ExAC 0.00001.
gnomAD v4.1: 5 of 1,614,154 alleles (0.00031%); highest among the groups gnomAD compares: South Asian, 0.0055%; no homozygotes.

Submissions (2):

CeGaT Center for Human Genetics Tuebingen
Classification: Likely benign. Last evaluated: 2026-05-01. Review status: criteria provided, single submitter. Criteria: CeGaT Center For Human Genetics Tuebingen Variant Classification Criteria Version 2. Collection method: clinical testing. Allele origin: germline. Affected: yes. Observed: 2 variant alleles.
Comment: ALDH7A1: BP4, BP7

Labcorp Genetics (formerly Invitae), Labcorp
Classification: Likely benign for Pyridoxine-dependent epilepsy. Last evaluated: 2023-08-03. Review status: criteria provided, single submitter. Criteria: Invitae Variant Classification Sherloc (09022015). Collection method: clinical testing. Allele origin: germline.